The following is an entry in ClinVar:

NM_006306.4(SMC1A):c.1958C>T (p.Ser653Phe)

Gene: SMC1A (structural maintenance of chromosomes 1A; minus strand). Cytogenetic location: Xp11.22.
Variant type: single nucleotide variant.
Coding change: c.1958C>T on transcript NM_006306.4 (MANE Select); coding-DNA position 1958, C replaced by T.
Protein change: p.Ser653Phe; replaces serine 653 with phenylalanine.
Molecular consequence: missense variant.
Genome position (GRCh38, 1-based): chrX:53,405,345, G>A on the plus strand (C>T on the coding strand, the complement: SMC1A is on the minus strand). VCF-style: chrX-53405345-G-A. GRCh37 (hg19) VCF-style: chrX-53432277-G-A.
Other names: c.1892C>T, p.Ser631Phe (NM_001281463.1); short protein forms S631F, S653F.
Identifiers: ClinVar variation 989381 (VCV000989381.4), dbSNP rs2075687166, ClinGen allele CA413252464.

ClinVar aggregate classification (germline): Pathogenic (1 of 4 stars; one submission).

Conditions:
Congenital muscular hypertrophy-cerebral syndrome (CDLS2). Also called: SMC1A-Related Cornelia de Lange Syndrome; Cornelia de Lange syndrome 2. Identifiers: Orphanet 199, MedGen C1802395, MONDO:0010370, OMIM 300590.

Submission:

Illumina Laboratory Services, Illumina
Classification: Pathogenic for Congenital muscular hypertrophy-cerebral syndrome. Last evaluated: 2019-06-10. Review status: criteria provided, single submitter. Criteria: ICSLVariantClassificationCriteria RUGD 01 April 2020. Collection method: clinical testing. Allele origin: unknown.
Comment: The SMC1A c.1958C>T (p.Ser653Phe) variant is a missense variant. A literature search was performed for the gene, cDNA change, and amino acid change. No publications were found based on this search. The p.Ser653Phe variant is not found in the Genome Aggregation Database in a region of good sequencing coverage, so the variant is presumed to be rare. Analyses by multiple in silico tools predict that the variant is deleterious. Based on the variantâ€™s apparent de novo state, the presence of the variant in affected relatives, its rarity, and application of the ACMG criteria, the SMC1A p.Ser653Phe variant is classified as pathogenic for Cornelia de Lange syndrome.